The following is an entry in ClinVar:

NM_001100.4(ACTA1):c.617-8C>T

Gene: ACTA1 (actin alpha 1, skeletal muscle; minus strand). Cytogenetic location: 1q42.13.
Variant type: single nucleotide variant.
Coding change: c.617-8C>T on transcript NM_001100.4 (MANE Select); 8 bases into the intron before coding-DNA position 617, C replaced by T.
Molecular consequence: intron variant.
Genome position (GRCh38, 1-based): chr1:229,432,193, G>A on the plus strand (C>T on the coding strand, the complement: ACTA1 is on the minus strand). VCF-style: chr1-229432193-G-A. GRCh37 (hg19) VCF-style: chr1-229567940-G-A.
Identifiers: ClinVar variation 2195257 (VCV002195257.20), dbSNP rs1253964609, ClinGen allele CA529915264.

ClinVar aggregate classification (germline): Conflicting classifications of pathogenicity. Review status: criteria provided, conflicting classifications (1 of 4 stars). 2 submissions from 2 submitters: Uncertain significance (1); Likely benign (1). Last evaluated 2025-08-11.

Conditions:
Actin accumulation myopathy (CMYO2A). Also called: CONGENITAL MYOPATHY 2A, TYPICAL, AUTOSOMAL DOMINANT; Myopathy, actin, congenital, with cores; Nemaline myopathy 3, with intranuclear rods; Nemaline myopathy type 3; Myopathy, actin, congenital, with excess of thin myofilaments. Identifiers: Orphanet 98904, MedGen C3711389, MONDO:0008070, OMIM 161800.

Allele frequency attached by ClinVar (database versions not stated): TOPMed below 0.00001; gnomAD 0.00001; gnomAD exomes 0.00001.

Submissions (2):

Labcorp Genetics (formerly Invitae), Labcorp
Classification: Likely benign for Actin accumulation myopathy. Last evaluated: 2025-08-11. Review status: criteria provided, single submitter. Criteria: Invitae Variant Classification Sherloc (09022015). Collection method: clinical testing. Allele origin: germline.

CeGaT Center for Human Genetics Tuebingen
Classification: Uncertain significance. Last evaluated: 2024-08-01. Review status: criteria provided, single submitter. Criteria: CeGaT Center For Human Genetics Tuebingen Variant Classification Criteria Version 2. Collection method: clinical testing. Allele origin: germline. Affected: yes. Observed: 1 variant allele.
Comment: ACTA1: PM2, BP4